The following is an entry in ClinVar:

NM_001384732.1(CPLANE1):c.3364G>A (p.Asp1122Asn)

Gene: CPLANE1 (ciliogenesis and planar polarity effector complex subunit 1; minus strand). Cytogenetic location: 5p13.2.
Variant type: single nucleotide variant.
Coding change: c.3364G>A on transcript NM_001384732.1 (MANE Select); coding-DNA position 3364, G replaced by A.
Protein change: p.Asp1122Asn; replaces aspartic acid 1122 with asparagine.
Molecular consequence: missense variant.
Genome position (GRCh38, 1-based): chr5:37,201,734, C>T on the plus strand (G>A on the coding strand, the complement: CPLANE1 is on the minus strand). VCF-style: chr5-37201734-C-T. GRCh37 (hg19) VCF-style: chr5-37201836-C-T.
Other names: c.3364G>A, p.Asp1122Asn (NM_023073.4); short protein forms D1122N.
Identifiers: ClinVar variation 1435735 (VCV001435735.7), dbSNP rs775457117, ClinGen allele CA3238960.

ClinVar aggregate classification (germline): Uncertain significance. Review status: criteria provided, multiple submitters, no conflicts (2 of 4 stars). 3 submissions from 3 submitters: Uncertain significance (3). Last evaluated 2022-04-04.

Conditions:
Joubert syndrome 17 (JBTS17). Identifiers: Orphanet 475, MedGen C3553264, MONDO:0013824, OMIM 614615.
Orofaciodigital syndrome type 6 (OFD6). Also called: OROFACIODIGITAL SYNDROME VI; OFDS VI; POLYDACTYLY, CLEFT LIP/PALATE OR LINGUAL LUMP, AND PSYCHOMOTOR RETARDATION; VARADI SYNDROME; VARADI-PAPP SYNDROME; Oral-facial-digital syndrome type 6. Identifiers: Orphanet 2754, MedGen C2745997, MONDO:0010176, OMIM 277170.

Allele frequency attached by ClinVar (database versions not stated): gnomAD exomes 0.00001 and 0.00002; gnomAD 0.00003; TOPMed 0.00003; ExAC 0.00005.
gnomAD v4.1: 23 of 1,613,916 alleles (0.0014%); highest among the groups gnomAD compares: African/African-American, 0.0067%; no homozygotes.

Submissions (3):

Fulgent Genetics
Classification: Uncertain significance for Orofaciodigital syndrome type 6; Joubert syndrome 17. Last evaluated: 2022-04-04. Review status: criteria provided, single submitter. Criteria: ACMG Guidelines, 2015. Collection method: clinical testing. Allele origin: unknown.

Labcorp Genetics (formerly Invitae), Labcorp
Classification: Uncertain significance. Last evaluated: 2021-09-17. Review status: criteria provided, single submitter. Criteria: Invitae Variant Classification Sherloc (09022015). Collection method: clinical testing. Allele origin: germline.
Comment: This sequence change replaces aspartic acid with asparagine at codon 1122 of the CPLANE1 protein (p.Asp1122Asn). The aspartic acid residue is moderately conserved and there is a small physicochemical difference between aspartic acid and asparagine. This variant is present in population databases (rs775457117, ExAC 0.01%). This variant has not been reported in the literature in individuals with CPLANE1-related conditions. Algorithms developed to predict the effect of missense changes on protein structure and function are either unavailable or do not agree on the potential impact of this missense change (SIFT: "Deleterious"; PolyPhen-2: "Probably Damaging"; Align-GVGD: "Class C0"). In summary, the available evidence is currently insufficient to determine the role of this variant in disease. Therefore, it has been classified as a Variant of Uncertain Significance.

Blueprint Genetics
Classification: Uncertain significance. Last evaluated: 2021-03-05. Review status: criteria provided, single submitter. Criteria: ACMG Guidelines, 2015. Collection method: clinical testing. Allele origin: germline.